The following is an entry in ClinVar:

ClinVar aggregate classification (germline): Uncertain significance (1 of 4 stars; one submission).

Conditions:
Malignant hyperthermia, susceptibility to, 1 (MHS1). Also called: Anesthesia related hyperthermia; Malignant hyperpyrexia; Fulminating hyperpyrexia; Pharmacogenic myopathy; Malignant hyperthermia suceptibility 1; RYR1-Related Malignant Hyperthermia Susceptibility. Identifiers: Orphanet 423, MedGen C2930980, MONDO:0007783, OMIM 145600.

Submission:

All of Us Research Program, National Institutes of Health
Classification: Uncertain significance for Malignant hyperthermia, susceptibility to, 1. Last evaluated: 2024-09-23. Review status: criteria provided, single submitter. Criteria: ACMG Guidelines, 2015. Collection method: clinical testing. Allele origin: germline. Inheritance: Autosomal dominant inheritance. Observed: 1 variant allele, 1 heterozygote.
Comment: This study involves interpretation of variants in research participants for the purpose of population health screening. Participant phenotype was not available at the time of variant classification. Additional details can be found in publication PMID: 35346344, PMCID: PMC8962531

NM_000540.3(RYR1):c.10837T>C (p.Tyr3613His)

Gene: RYR1 (ryanodine receptor 1; plus strand). Cytogenetic location: 19q13.2.
Variant type: single nucleotide variant.
Coding change: c.10837T>C on transcript NM_000540.3 (MANE Select); coding-DNA position 10837, T replaced by C.
Protein change: p.Tyr3613His; replaces tyrosine 3613 with histidine.
Molecular consequence: missense variant.
Genome position (GRCh38, 1-based): chr19:38,528,318, T>C. VCF-style: chr19-38528318-T-C. GRCh37 (hg19) VCF-style: chr19-39018958-T-C.
Other names: c.10822T>C, p.Tyr3608His (NM_001042723.2); short protein forms Y3608H, Y3613H.
Identifiers: ClinVar variation 3385540 (VCV003385540.1).
Genomic context (GRCh38, chr19:38,528,318, plus strand): 5'-AGAGGGGCAGGGTCTGGGGATGTGACTGTCCTGCTATCCCCTCCCCAGACCGAGCACCCT[T>C]ACAAGTCTAAGAAGGCCGTGTGGCACAAGCTTTTGTCCAAACAGCGCCGGCGGGCAGTCG-3'
Protein context (NP_000531.2, residues 3603-3623): LYYLDQTEHP[Tyr3613His]KSKKAVWHKL